The following is an entry in ClinVar:

ClinVar aggregate classification (germline): Uncertain significance. Review status: criteria provided, single submitter (1 of 4 stars). 2 submissions from 2 submitters: Uncertain significance (1). 1 of the submissions does not count toward it. Last evaluated 2019-02-18.

Conditions:
Familial dysautonomia. Also called: HSAN III; FD. Identifiers: Orphanet 1764, MedGen C0013364, MONDO:0009131, OMIM 223900. Disease mechanism: loss of function.

Submissions (2):

Labcorp Genetics (formerly Invitae), Labcorp
Classification: Uncertain significance. Last evaluated: 2019-02-18. Review status: criteria provided, single submitter. Criteria: Invitae Variant Classification Sherloc (09022015). Collection method: clinical testing. Allele origin: germline.
Comment: In summary, the available evidence is currently insufficient to determine the role of this variant in disease. Therefore, it has been classified as a Variant of Uncertain Significance. Algorithms developed to predict the effect of sequence changes on RNA splicing suggest that this variant may disrupt the consensus splice site, but this prediction has not been confirmed by published transcriptional studies. This variant has not been reported in the literature in individuals with ELP1-related conditions. This variant is not present in population databases (ExAC no frequency). This sequence change falls in intron 8 of the ELP1 gene. It does not directly change the encoded amino acid sequence of the ELP1 protein.

Natera, Inc.
Classification: Uncertain significance for Familial dysautonomia. Last evaluated: 2020-09-16. Review status: no assertion criteria provided. Collection method: clinical testing. Allele origin: germline. Not counted in ClinVar's aggregate classification.

NM_003640.5(ELP1):c.741-4T>G

Gene: ELP1 (elongator acetyltransferase complex subunit 1; minus strand). Cytogenetic location: 9q31.3.
Variant type: single nucleotide variant.
Coding change: c.741-4T>G on transcript NM_003640.5 (MANE Select); 4 bases into the intron before coding-DNA position 741, T replaced by G.
Molecular consequence: intron variant.
Genome position (GRCh38, 1-based): chr9:108,917,674, A>C on the plus strand (T>G on the coding strand, the complement: ELP1 is on the minus strand). VCF-style: chr9-108917674-A-C. GRCh37 (hg19) VCF-style: chr9-111679954-A-C.
Other names: c.399-4T>G (NM_001318360.2); c.-307-4T>G (NM_001330749.2).
Identifiers: ClinVar variation 849294 (VCV000849294.10), dbSNP rs1829498906, ClinGen allele CA916080413.